The following is an entry in ClinVar:

ClinVar aggregate classification (germline): Benign/Likely benign. Review status: criteria provided, multiple submitters, no conflicts (2 of 4 stars). 2 submissions from 2 submitters: Benign (1); Likely benign (1). Last evaluated 2025-07-01.

Allele frequency attached by ClinVar (database versions not stated): gnomAD exomes 0.00008 and 0.00023; ExAC 0.00023; 1000 Genomes Project 30x 0.00031; 1000 Genomes Project 0.00040; gnomAD 0.00090 and 0.00096; TOPMed 0.00116; ESP Exome Variant Server 0.00123.
gnomAD v4.1: 262 of 1,614,204 alleles (0.016%); highest among the groups gnomAD compares: African/African-American, 0.3%; 1 homozygote.

Submissions (2):

CeGaT Center for Human Genetics Tuebingen
Classification: Likely benign. Last evaluated: 2025-07-01. Review status: criteria provided, single submitter. Criteria: CeGaT Center For Human Genetics Tuebingen Variant Classification Criteria Version 2. Collection method: clinical testing. Allele origin: germline. Affected: yes. Observed: 1 variant allele.
Comment: ZNF462: BP4, BP7, BS1

Labcorp Genetics (formerly Invitae), Labcorp
Classification: Benign. Last evaluated: 2018-12-11. Review status: criteria provided, single submitter. Criteria: Invitae Variant Classification Sherloc (09022015). Collection method: clinical testing. Allele origin: germline.

NM_021224.6(ZNF462):c.4017T>C (p.Tyr1339=)

Gene: ZNF462 (zinc finger protein 462; plus strand). Cytogenetic location: 9q31.2.
Variant type: single nucleotide variant.
Coding change: c.4017T>C on transcript NM_021224.6 (MANE Select); coding-DNA position 4017, T replaced by C.
Protein change: p.Tyr1339=; no amino-acid change (tyrosine 1339 retained).
Molecular consequence: synonymous variant. On other transcripts: intron variant (1).
Genome position (GRCh38, 1-based): chr9:106,927,929, T>C. VCF-style: chr9-106927929-T-C. GRCh37 (hg19) VCF-style: chr9-109690210-T-C.
Other names: c.3252+765T>C (NM_001347997.2).
Identifiers: ClinVar variation 714432 (VCV000714432.11), dbSNP rs140576161, ClinGen allele CA5171755.